The following is an entry in ClinVar:

ClinVar aggregate classification (germline): Uncertain significance (1 of 4 stars; one submission).

Submission:

Ambry Genetics
Classification: Uncertain significance. Last evaluated: 2026-05-04. Review status: criteria provided, single submitter. Criteria: Ambry Variant Classification Scheme 2023. Collection method: clinical testing. Allele origin: germline.
Comment: The p.A1399G variant (also known as c.4196C>G), located in coding exon 19 of the WNK2 gene, results from a C to G substitution at nucleotide position 4196. The alanine at codon 1399 is replaced by glycine, an amino acid with similar properties. This amino acid position is conserved. In addition, this alteration is predicted to be tolerated by in silico analysis. Based on the available evidence, the clinical significance of this variant remains unclear.

NM_006648.4(WNK2):c.4196C>G (p.Ala1399Gly)

Gene: WNK2 (WNK lysine deficient protein kinase 2; plus strand). Cytogenetic location: 9q22.31.
Variant type: single nucleotide variant.
Coding change: c.4196C>G on transcript NM_006648.4 (MANE Select); coding-DNA position 4196, C replaced by G.
Protein change: p.Ala1399Gly; replaces alanine 1399 with glycine.
Molecular consequence: missense variant.
Genome position (GRCh38, 1-based): chr9:93,288,950, C>G. VCF-style: chr9-93288950-C-G. GRCh37 (hg19) VCF-style: chr9-96051232-C-G.
Other names: c.4307C>G, p.Ala1436Gly (NM_001282394.3); short protein forms A1399G, A1436G.
Identifiers: ClinVar variation 4866647 (VCV004866647.1).
Genomic context (GRCh38, chr9:93,288,950, plus strand): 5'-CACCCCCAGCCCCTTTGGCCCCCTCCTCCCCTCCTGTGACTGCTCTGCCCCAAGATGGAG[C>G]AGCTCCAGCCACCAGCACCATGCCAGAGCCAGCGTCAGGAACTGCCAGCCAGGCAGGGGG-3'
Protein context (NP_006639.3, residues 1389-1409): PPVTALPQDG[Ala1399Gly]APATSTMPEP